The following is an entry in ClinVar:

ClinVar aggregate classification (germline): Likely benign (1 of 4 stars; one submission).

Allele frequency attached by ClinVar (database versions not stated): gnomAD exomes below 0.00001 and 0.00001; ExAC 0.00001; gnomAD 0.00004; TOPMed 0.00005; 1000 Genomes Project 0.00020; 1000 Genomes Project 30x 0.00031.
gnomAD v4.1: 15 of 1,581,754 alleles (0.00095%); highest among the groups gnomAD compares: African/African-American, 0.016%; no homozygotes.

Submission:

GeneDx
Classification: Likely benign. Last evaluated: 2016-06-27. Review status: criteria provided, single submitter. Criteria: GeneDx Variant Classification (06012015). Collection method: clinical testing. Allele origin: germline. Affected: yes.
Comment: This variant is considered likely benign or benign based on one or more of the following criteria: it is a conservative change, it occurs at a poorly conserved position in the protein, it is predicted to be benign by multiple in silico algorithms, and/or has population frequency not consistent with disease.

NM_005506.4(SCARB2):c.-18C>T

Gene: SCARB2 (scavenger receptor class B member 2; minus strand). Cytogenetic location: 4q21.1.
Variant type: single nucleotide variant.
Coding change: c.-18C>T on transcript NM_005506.4 (MANE Select); 18 bases upstream of the start codon, C replaced by T.
Molecular consequence: 5 prime UTR variant.
Genome position (GRCh38, 1-based): chr4:76,213,561, G>A on the plus strand (C>T on the coding strand, the complement: SCARB2 is on the minus strand). VCF-style: chr4-76213561-G-A. GRCh37 (hg19) VCF-style: chr4-77134714-G-A.
Other names: c.-18C>T (NM_001204255.2).
Identifiers: ClinVar variation 380303 (VCV000380303.1), dbSNP rs543249957, ClinGen allele CA2970447.
Genomic context (GRCh38, chr4:76,213,561, plus strand): 5'-GCAGGGACAACGTCCCCGCCGTGTAGAAGCAGCATCGGCCCATTCTGTGCGCCGCTCACG[G>A]GCCGGGCCGGGCCGCACCCGCCAGGGATCCAACTGCAAGGAGGGAGGAGCCGCCGCAGAG-3'